The following is an entry in ClinVar:

ClinVar aggregate classification (germline): Likely benign. Review status: criteria provided, multiple submitters, no conflicts (2 of 4 stars). 4 submissions from 4 submitters: Likely benign (4). Last evaluated 2026-01-01.

Conditions:
Inborn genetic diseases. Identifiers: MedGen C0950123, MeSH D030342.
Developmental and epileptic encephalopathy, 11 (DEE11). Also called: Early infantile epileptic encephalopathy 11. Identifiers: Orphanet 1934, MedGen C3150987, MONDO:0013388, OMIM 613721.
Seizures, benign familial infantile, 3 (BFIS3). Also called: Familial neonatal seizures; CONVULSIONS, BENIGN FAMILIAL INFANTILE, 3. Identifiers: Orphanet 140927, Orphanet 306, MedGen C1843140, MONDO:0011904, OMIM 607745.

Allele frequency attached by ClinVar (database versions not stated): ExAC 0.00002; gnomAD 0.00003; TOPMed 0.00003.
gnomAD v4.1: 16 of 1,614,054 alleles (0.00099%); highest among the groups gnomAD compares: Admixed American, 0.0083%; no homozygotes.

Submissions (4):

CeGaT Center for Human Genetics Tuebingen
Classification: Likely benign. Last evaluated: 2026-01-01. Review status: criteria provided, single submitter. Criteria: CeGaT Center For Human Genetics Tuebingen Variant Classification Criteria Version 2. Collection method: clinical testing. Allele origin: germline. Affected: yes. Observed: 2 variant alleles.
Comment: SCN2A: BP4, BP7

Labcorp Genetics (formerly Invitae), Labcorp
Classification: Likely benign for Seizures, benign familial infantile, 3; Developmental and epileptic encephalopathy, 11. Last evaluated: 2025-12-19. Review status: criteria provided, single submitter. Criteria: Invitae Variant Classification Sherloc (09022015). Collection method: clinical testing. Allele origin: germline.

GeneDx
Classification: Likely benign. Last evaluated: 2021-01-27. Review status: criteria provided, single submitter. Criteria: GeneDx Variant Classification Process June 2021. Collection method: clinical testing. Allele origin: germline. Affected: yes.

Ambry Genetics
Classification: Likely benign for Inborn genetic diseases. Last evaluated: 2017-02-11. Review status: criteria provided, single submitter. Criteria: Ambry Variant Classification Scheme 2023. Collection method: clinical testing. Allele origin: germline.

NM_001040142.2(SCN2A):c.1836C>T (p.Phe612=)

Gene: SCN2A (sodium voltage-gated channel alpha subunit 2; plus strand). Cytogenetic location: 2q24.3.
Variant type: single nucleotide variant.
Coding change: c.1836C>T on transcript NM_001040142.2 (MANE Select); coding-DNA position 1836, C replaced by T.
Protein change: p.Phe612=; no amino-acid change (phenylalanine 612 retained).
Molecular consequence: synonymous variant.
Genome position (GRCh38, 1-based): chr2:165,323,320, C>T. VCF-style: chr2-165323320-C-T. GRCh37 (hg19) VCF-style: chr2-166179830-C-T.
Other names: c.1836C>T, p.Phe612= (NM_001040143.2, NM_001371246.1, NM_001371247.1 and 1 more transcripts).
Identifiers: ClinVar variation 588737 (VCV000588737.29), dbSNP rs747402663, ClinGen allele CA1939877.
Genomic context (GRCh38, chr2:165,323,320, plus strand): 5'-CTTTGCTGATGATGAGCACAGCACCTTTGAGGACAATGACAGCCGAAGAGACTCTCTGTT[C>T]GTGCCGCACAGACATGGAGAACGGCGCCACAGCAATGTCAGCCAGGCCAGCCGTGCCTCC-3'
Protein context (NP_001035232.1, residues 602-622): EDNDSRRDSL[Phe612=]VPHRHGERRH